The following is an entry in ClinVar:

NM_000551.4(VHL):c.362A>G (p.Asp121Gly)

Genes: VHL (von Hippel-Lindau tumor suppressor; plus strand), LOC107303340 (3p25 von Hippel-Lindau tumor suppressor, E3 ubiquitin protein ligase Alu-mediated recombination region; plus strand). Cytogenetic location: 3p25.3.
Variant type: single nucleotide variant.
Coding change: c.362A>G on transcript NM_000551.4 (MANE Select); coding-DNA position 362, A replaced by G.
Protein change: p.Asp121Gly; replaces aspartic acid 121 with glycine.
Molecular consequence: missense variant. On other transcripts: intron variant (2).
Genome position (GRCh38, 1-based): chr3:10,146,535, A>G. VCF-style: chr3-10146535-A-G. GRCh37 (hg19) VCF-style: chr3-10188219-A-G.
Other names: c.*18-3252A>G (NM_001354723.2); c.341-3252A>G (NM_198156.3); short protein forms D121G.
Identifiers: ClinVar variation 223200 (VCV000223200.13), dbSNP rs5030832, ClinGen allele CA357083.
Genomic context (GRCh38, chr3:10,146,535, plus strand): 5'-CCGGTGTGGCTCTTTAACAACCTTTGCTTGTCCCGATAGGTCACCTTTGGCTCTTCAGAG[A>G]TGCAGGGACACACGATGGGCTTCTGGTTAACCAAACTGAATTATTTGTGCCATCTCTCAA-3'
Protein context (NP_000542.1, residues 111-131): SYRGHLWLFR[Asp121Gly]AGTHDGLLVN

ClinVar aggregate classification (germline): Pathogenic/Likely pathogenic. Review status: criteria provided, multiple submitters, no conflicts (2 of 4 stars). 5 submissions from 5 submitters: Pathogenic (3); Likely pathogenic (1). 1 of the submissions does not count toward it. Last evaluated 2021-10-08.

Conditions:
Von Hippel-Lindau syndrome (VHLS). Also called: Von Hippel-Lindau; von Hippel–Lindau syndrome; VHL syndrome. Identifiers: Orphanet 892, MedGen C0019562, MONDO:0008667, OMIM 193300. Disease mechanism: loss of function.
Chuvash polycythemia. Also called: POLYCYTHEMIA, VHL-DEPENDENT. Identifiers: Orphanet 238557, MedGen C1837915, MONDO:0009892, OMIM 263400.
Hereditary cancer-predisposing syndrome. Also called: Tumor predisposition; Hereditary neoplastic syndrome; Neoplastic Syndromes, Hereditary; Hereditary Cancer Syndrome. Identifiers: Orphanet 140162, MedGen C0027672, MeSH D009386, MONDO:0015356.

Allele frequency attached by ClinVar (database versions not stated): gnomAD exomes below 0.00001.
gnomAD v4.1: 1 of 1,613,928 alleles (0.000062%); highest among the groups gnomAD compares: Non-Finnish European, 0.000085%; no homozygotes.

Submissions (5):

Ambry Genetics
Classification: Pathogenic for Hereditary cancer-predisposing syndrome. Last evaluated: 2021-10-08. Review status: criteria provided, single submitter. Criteria: Ambry Variant Classification Scheme 2023. Collection method: clinical testing. Allele origin: germline.
Comment: The p.D121G variant (also known as c.362A>G), located in coding exon 2 of the VHL gene, results from an A to G substitution at nucleotide position 362. The aspartic acid at codon 121 is replaced by glycine, an amino acid with similar properties. This variant has been identified in multiple individuals with a clinical diagnosis or suspicion of von-Hippel-Lindau (VHL) syndrome (Ruiz-Llorente S et al. Hum Mutat, 2004 Feb;23:160-9; Erlic Z et al. Endocr Relat Cancer, 2010 Dec;17:875-83; Rasmussen A et al. J Neurosurg, 2006 Mar;104:389-94). In functional studies, this alteration was shown to decrease nuclear export of the VHL protein and to reduce ability to degrade downstream target HIF-alpha (Khacho M et al. Mol Cell Biol, 2008 Jan;28:302-14; Rechsteiner MP et al. Cancer Res, 2011 Aug;71:5500-11). This amino acid position is highly conserved in available vertebrate species. In addition, this alteration is predicted to be deleterious by in silico analysis. Based on internal structural analysis, D121G is moderately destabilizing to the local structure and more disruptive than known pathogenic variants in the region (Ambry internal data). This variant is considered to be rare based on population cohorts in the Genome Aggregation Database (gnomAD). Based on the supporting evidence, this alteration is interpreted as a disease-causing mutation.

Labcorp Genetics (formerly Invitae), Labcorp
Classification: Likely pathogenic for Von Hippel-Lindau syndrome; Chuvash polycythemia. Last evaluated: 2020-09-11. Review status: criteria provided, single submitter. Criteria: Invitae Variant Classification Sherloc (09022015). Collection method: clinical testing. Allele origin: germline.
Comment: Algorithms developed to predict the effect of sequence changes on RNA splicing suggest that this variant may create or strengthen a splice site, but this prediction has not been confirmed by published transcriptional studies. In summary, the currently available evidence indicates that the variant is pathogenic, but additional data are needed to prove that conclusively. Therefore, this variant has been classified as Likely Pathogenic. This variant disrupts the p.Asp121 amino acid residue in VHL. Other variants that disrupt this residue have been observed in affected individuals (PMID: 16142346, 25557216), suggesting that it is a clinically significant residue. As a result, variants that disrupt this residue are likely to be causative of disease. Experimental studies have shown that this missense change affects nuclear export of the VHL protein and its effect on downstream target HIF (PMID: 17967880, 11865071, 21715564). This variant has been observed in several individuals affected with, or with clinical features of von Hippel-Lindau syndrome (PMID: 16572651, 7977367, 9681856, 15300849, 20660572, 11409863, 8956040). ClinVar contains an entry for this variant (Variation ID: 223200). This variant is not present in population databases (ExAC no frequency). This sequence change replaces aspartic acid with glycine at codon 121 of the VHL protein (p.Asp121Gly). The aspartic acid residue is moderately conserved and there is a moderate physicochemical difference between aspartic acid and glycine.

PreventionGenetics, part of Exact Sciences
Classification: Pathogenic. Last evaluated: 2017-08-16. Review status: criteria provided, single submitter. Criteria: ACMG Guidelines, 2015. Collection method: clinical testing. Allele origin: germline.

Women's Health and Genetics/Laboratory Corporation of America, LabCorp
Classification: Pathogenic for Von Hippel-Lindau syndrome. Last evaluated: 2016-02-05. Review status: criteria provided, single submitter. Criteria: LabCorp Variant Classification Summary - May 2015. Collection method: clinical testing. Allele origin: germline.
Comment: Variant summary: c.362A>G affects a conserved nucleotide, resulting in amino acid change from Asp to Gly. 4/4 in-silico tools predict this variant to be damaging. This variant was not found in 121412 control chromosomes. This variant has been reported in multiple VHL patients. Functional studies showed that variant retained most of the proteins abilities, including its interaction with HIF in vitro and the downstream down-regulation of gene expression controlled by HIF, as well as supporting HIF-1 ubiquitination (less than that observed for wild-type pVHL), and the interaction with elongin C. (Hansen_2002, Ruiz-Llorente_2004). However, there is also study showed that only partial interaction with elongin C is retained and the recruiting a complex containing the essential human VBCE3 ubiquitin ligase components CHL2 and ROC1 is detected (Hacker _2008). Considering all these studies were performed in vitro, the disease mechanism of this variant remains unclear. Variants D121G, D121N both are listed as disease mutation in HGMD and have been reported in multiple publications suggesting the codon 121 might be a hotspot for mutations. Taken together, this variant was classified as a Pathogenic.

Genomic Diagnostic Laboratory, Division of Genomic Diagnostics, Children's Hospital of Philadelphia
Classification: Pathogenic for Von Hippel-Lindau syndrome. Last evaluated: 2016-02-26. Review status: no assertion criteria provided. Collection method: clinical testing. Allele origin: germline. Affected: yes. Observed: 2 variant alleles. Not counted in ClinVar's aggregate classification.

Literature cited by the submitters: PubMed 14722919 (cited by Ambry Genetics and Women's Health and Genetics/Laboratory Corporation of America, LabCorp); PubMed 16572651 (cited by 3 submitters); PubMed 17967880 (cited by Ambry Genetics and Labcorp Genetics (formerly Invitae), Labcorp); PubMed 20660572 (cited by Ambry Genetics and Labcorp Genetics (formerly Invitae), Labcorp); PubMed 21715564 (cited by Ambry Genetics and Labcorp Genetics (formerly Invitae), Labcorp); PubMed 16142346 (cited by Labcorp Genetics (formerly Invitae), Labcorp); PubMed 25557216 (cited by Labcorp Genetics (formerly Invitae), Labcorp); PubMed 11865071 (cited by Labcorp Genetics (formerly Invitae), Labcorp and Women's Health and Genetics/Laboratory Corporation of America, LabCorp); PubMed 7977367 (cited by Labcorp Genetics (formerly Invitae), Labcorp and Women's Health and Genetics/Laboratory Corporation of America, LabCorp); PubMed 9681856 (cited by Labcorp Genetics (formerly Invitae), Labcorp); PubMed 15300849 (cited by Labcorp Genetics (formerly Invitae), Labcorp and Women's Health and Genetics/Laboratory Corporation of America, LabCorp); PubMed 11409863 (cited by Labcorp Genetics (formerly Invitae), Labcorp and Women's Health and Genetics/Laboratory Corporation of America, LabCorp); PubMed 8956040 (cited by Labcorp Genetics (formerly Invitae), Labcorp and Women's Health and Genetics/Laboratory Corporation of America, LabCorp); PubMed 19030229 (cited by Women's Health and Genetics/Laboratory Corporation of America, LabCorp).